The following is an entry in ClinVar:

NM_007294.4(BRCA1):c.5303G>C (p.Cys1768Ser)

Gene: BRCA1 (BRCA1 DNA repair associated; minus strand). Cytogenetic location: 17q21.31.
Variant type: single nucleotide variant.
Coding change: c.5303G>C on transcript NM_007294.4 (MANE Select); coding-DNA position 5303, G replaced by C.
Protein change: p.Cys1768Ser; replaces cysteine 1768 with serine.
Molecular consequence: missense variant. On other transcripts: non-coding transcript variant (1).
Genome position (GRCh38, 1-based): chr17:43,051,092, C>G on the plus strand (G>C on the coding strand, the complement: BRCA1 is on the minus strand). VCF-style: chr17-43051092-C-G. GRCh37 (hg19) VCF-style: chr17-41203109-C-G.
Other names: c.1865G>C, p.Cys622Ser (NM_001408448.1, NM_001408450.1, NM_001408445.1 and 2 more transcripts); c.1850G>C, p.Cys617Ser (NM_001408460.1, NM_001408461.1, NM_001408462.1 and 7 more transcripts); c.1847G>C, p.Cys616Ser (NM_001408468.1, NM_001408469.1, NM_001408470.1); c.1781G>C, p.Cys594Ser (NM_001408481.1, NM_001408482.1, NM_001408483.1 and 5 more transcripts); c.1778G>C, p.Cys593Ser (NM_001408492.1, NM_001408493.1); c.1727G>C, p.Cys576Ser (NM_001408503.1, NM_001408504.1, NM_001408502.1); c.1724G>C, p.Cys575Ser (NM_001408505.1); c.1667G>C, p.Cys556Ser (NM_001408506.1); and 72 more; short protein forms C664S, C1721S, C1768S, C1789S, C1471S, C1599S, C1655S, C1680S.
Identifiers: ClinVar variation 865283 (VCV000865283.9), dbSNP rs730881497, ClinGen allele CA10590943.

ClinVar aggregate classification (germline): Uncertain significance (1 of 4 stars; one submission).

Conditions:
Hereditary breast ovarian cancer syndrome. Also called: Hereditary breast and/or ovarian cancer syndrome; BRCA1- and BRCA2-Associated Hereditary Breast and Ovarian Cancer; Hereditary breast and ovarian cancer syndrome; Hereditary breast and ovarian cancer; Hereditary breast and ovarian cancer syndrome (HBOC); Breast and ovarian cancer. Identifiers: Orphanet 145, MedGen C0677776, MeSH D061325, MONDO:0003582. Disease mechanism: loss of function.

Submissions (2):

Labcorp Genetics (formerly Invitae), Labcorp
Classification: Uncertain significance for Hereditary breast ovarian cancer syndrome. Last evaluated: 2021-09-20. Review status: criteria provided, single submitter. Criteria: Invitae Variant Classification Sherloc (09022015). Collection method: clinical testing. Allele origin: germline.
Comment: In summary, the available evidence is currently insufficient to determine the role of this variant in disease. Therefore, it has been classified as a Variant of Uncertain Significance. Experimental studies have shown that this missense change does not substantially affect BRCA1 function (PMID: 30209399). Advanced modeling of protein sequence and biophysical properties (such as structural, functional, and spatial information, amino acid conservation, physicochemical variation, residue mobility, and thermodynamic stability) performed at Invitae indicates that this missense variant is expected to disrupt BRCA1 protein function. ClinVar contains an entry for this variant (Variation ID: 865283). This variant has not been reported in the literature in individuals affected with BRCA1-related conditions. This variant is not present in population databases (ExAC no frequency). This sequence change replaces cysteine with serine at codon 1768 of the BRCA1 protein (p.Cys1768Ser). The cysteine residue is highly conserved and there is a moderate physicochemical difference between cysteine and serine.

Brotman Baty Institute, University of Washington
No classification provided (evidence only). Condition: Breast-ovarian cancer, familial 1. Review status: no classification provided. Collection method: in vitro. Allele origin: not applicable. Functional consequence: functionally_normal. Not counted in ClinVar's aggregate classification.
ClinVar note: "not provided" was previously submitted as the classification for the variant. However, the classification appeared to be based only on an observation of functional data so it was converted to no classification on 2025-07-30.

Literature cited by the submitters: PubMed 30209399 (cited by Labcorp Genetics (formerly Invitae), Labcorp).